The following is an entry in ClinVar:

NM_013319.3(UBIAD1):c.-47T>G

Gene: UBIAD1 (UbiA prenyltransferase domain containing 1; plus strand). Cytogenetic location: 1p36.22.
Variant type: single nucleotide variant.
Coding change: c.-47T>G on transcript NM_013319.3 (MANE Select); 47 bases upstream of the start codon, T replaced by G.
Molecular consequence: 5 prime UTR variant.
Genome position (GRCh38, 1-based): chr1:11,273,485, T>G. VCF-style: chr1-11273485-T-G. GRCh37 (hg19) VCF-style: chr1-11333542-T-G.
Other names: NC_000001.10:g.11333542T>G; c.-47T>G (NM_001330349.2, NM_001330350.2).
Identifiers: ClinVar variation 291818 (VCV000291818.7), dbSNP rs72856992, ClinGen allele CA591058.

ClinVar aggregate classification (germline): Benign. Review status: criteria provided, multiple submitters, no conflicts (2 of 4 stars). 2 submissions from 2 submitters: Benign (2). Last evaluated 2018-01-12.

Conditions:
Schnyder crystalline corneal dystrophy (SCCD). Also called: Schnyder corneal dystrophy; Crystalline corneal dystrophy. Identifiers: Orphanet 98967, MedGen C0271287, MONDO:0007374, OMIM 121800.

Allele frequency attached by ClinVar (database versions not stated): gnomAD exomes 0.00573 and 0.01410; ExAC 0.01629; gnomAD 0.05483 and 0.05898; 1000 Genomes Project 0.05591; ESP Exome Variant Server 0.05839; 1000 Genomes Project 30x 0.06012; TOPMed 0.06259.
gnomAD v4.1: 17,123 of 1,608,588 alleles (1.1%); highest among the groups gnomAD compares: African/African-American, 19%; 1,439 homozygotes.

Submissions (16):

Illumina Laboratory Services, Illumina
Classification: Benign for Schnyder crystalline corneal dystrophy. Last evaluated: 2018-01-12. Review status: criteria provided, single submitter. Criteria: ICSL Variant Classification Criteria 13 December 2019. Collection method: clinical testing. Allele origin: germline.
Comment: This variant was observed in the ICSL laboratory as part of a predisposition screen in an ostensibly healthy population. It had not been previously curated by ICSL or reported in the Human Gene Mutation Database (HGMD: prior to June 1st, 2018), and was therefore a candidate for classification through an automated scoring system. Utilizing variant allele frequency, disease prevalence and penetrance estimates, and inheritance mode, an automated score was calculated to assess if this variant is too frequent to cause the disease. Based on the score and internal cut-off values, a variant classified as benign is not then subjected to further curation. The score for this variant resulted in a classification of benign for this disease.

Breakthrough Genomics
Classification: Benign. Review status: criteria provided, single submitter. Criteria: ACMG Guidelines, 2015. Collection method: not provided. Allele origin: germline. Inheritance: Autosomal dominant inheritance. Affected: yes.

Dr. Peter K. Rogan Lab, Western University
No classification provided (evidence only). Condition: Lung cancer. Review status: no classification provided. Collection method: in vitro. Allele origin: not applicable. Functional consequence: retained intron. Not counted in ClinVar's aggregate classification.

Dr. Peter K. Rogan Lab, Western University
No classification provided (evidence only). Condition: Cervical cancer. Review status: no classification provided. Collection method: in vitro. Allele origin: not applicable. Functional consequence: retained intron. Not counted in ClinVar's aggregate classification.

Dr. Peter K. Rogan Lab, Western University
No classification provided (evidence only). Condition: Cervical cancer. Review status: no classification provided. Collection method: in vitro. Allele origin: not applicable. Functional consequence: retained intron. Not counted in ClinVar's aggregate classification.

Dr. Peter K. Rogan Lab, Western University
No classification provided (evidence only). Condition: Thyroid cancer, nonmedullary, 1. Review status: no classification provided. Collection method: in vitro. Allele origin: not applicable. Functional consequence: retained intron. Not counted in ClinVar's aggregate classification.

Dr. Peter K. Rogan Lab, Western University
No classification provided (evidence only). Condition: Uterine corpus endometrial carcinoma. Review status: no classification provided. Collection method: in vitro. Allele origin: not applicable. Functional consequence: retained intron. Not counted in ClinVar's aggregate classification.

Dr. Peter K. Rogan Lab, Western University
No classification provided (evidence only). Condition: Sarcoma. Review status: no classification provided. Collection method: in vitro. Allele origin: not applicable. Functional consequence: retained intron. Not counted in ClinVar's aggregate classification.

Dr. Peter K. Rogan Lab, Western University
No classification provided (evidence only). Condition: Sarcoma. Review status: no classification provided. Collection method: in vitro. Allele origin: not applicable. Functional consequence: retained intron. Not counted in ClinVar's aggregate classification.

Dr. Peter K. Rogan Lab, Western University
No classification provided (evidence only). Condition: Uterine corpus endometrial carcinoma. Review status: no classification provided. Collection method: in vitro. Allele origin: not applicable. Functional consequence: retained intron. Not counted in ClinVar's aggregate classification.

Dr. Peter K. Rogan Lab, Western University
No classification provided (evidence only). Condition: Uterine corpus endometrial carcinoma. Review status: no classification provided. Collection method: in vitro. Allele origin: not applicable. Functional consequence: retained intron. Not counted in ClinVar's aggregate classification.

Dr. Peter K. Rogan Lab, Western University
No classification provided (evidence only). Condition: Thymoma. Review status: no classification provided. Collection method: in vitro. Allele origin: not applicable. Functional consequence: retained intron. Not counted in ClinVar's aggregate classification.

Dr. Peter K. Rogan Lab, Western University
No classification provided (evidence only). Condition: Uterine corpus endometrial carcinoma. Review status: no classification provided. Collection method: in vitro. Allele origin: not applicable. Functional consequence: retained intron. Not counted in ClinVar's aggregate classification.

Dr. Peter K. Rogan Lab, Western University
No classification provided (evidence only). Condition: Uterine corpus endometrial carcinoma. Review status: no classification provided. Collection method: in vitro. Allele origin: not applicable. Functional consequence: retained intron. Not counted in ClinVar's aggregate classification.

Dr. Peter K. Rogan Lab, Western University
No classification provided (evidence only). Condition: Uveal melanoma. Review status: no classification provided. Collection method: in vitro. Allele origin: not applicable. Functional consequence: retained intron. Not counted in ClinVar's aggregate classification.

Dr. Peter K. Rogan Lab, Western University
No classification provided (evidence only). Condition: Malignant tumor of esophagus. Review status: no classification provided. Collection method: in vitro. Allele origin: not applicable. Functional consequence: retained intron. Not counted in ClinVar's aggregate classification.